The following is an entry in ClinVar:

ClinVar aggregate classification (germline): Benign (1 of 4 stars; one submission).

Conditions:
Oligodontia-cancer predisposition syndrome. Also called: TOOTH AGENESIS-COLORECTAL CANCER SYNDROME. Identifiers: Orphanet 300576, MedGen C1837750, MONDO:0012075, OMIM 608615. Disease mechanism: loss of function.

Submission:

Myriad Genetics, Inc.
Classification: Benign for Oligodontia-cancer predisposition syndrome. Last evaluated: 2024-07-11. Review status: criteria provided, single submitter. Criteria: Myriad Autosomal Dominant, Autosomal Recessive and X-Linked Classification Criteria (2023). Collection method: clinical testing. Allele origin: unknown.
Comment: This variant is considered benign. This variant is a silent/synonymous amino acid change and it is not expected to impact splicing.

NM_004655.4(AXIN2):c.2475G>A (p.Glu825=)

Gene: AXIN2 (axin 2; minus strand). Cytogenetic location: 17q24.1.
Variant type: single nucleotide variant.
Coding change: c.2475G>A on transcript NM_004655.4 (MANE Select); coding-DNA position 2475, G replaced by A.
Protein change: p.Glu825=; no amino-acid change (glutamic acid 825 retained).
Molecular consequence: synonymous variant.
Genome position (GRCh38, 1-based): chr17:65,530,033, C>T on the plus strand (G>A on the coding strand, the complement: AXIN2 is on the minus strand). VCF-style: chr17-65530033-C-T. GRCh37 (hg19) VCF-style: chr17-63526151-C-T.
Other names: c.2280G>A, p.Glu760= (NM_001363813.1).
Identifiers: ClinVar variation 3379062 (VCV003379062.1).